The following is an entry in ClinVar:

NM_014639.4(SKIC3):c.4259A>G (p.Glu1420Gly)

Gene: SKIC3 (SKI3 subunit of superkiller complex; minus strand). Cytogenetic location: 5q15.
Variant type: single nucleotide variant.
Coding change: c.4259A>G on transcript NM_014639.4 (MANE Select); coding-DNA position 4259, A replaced by G.
Protein change: p.Glu1420Gly; replaces glutamic acid 1420 with glycine.
Molecular consequence: missense variant.
Genome position (GRCh38, 1-based): chr5:95,478,396, T>C on the plus strand (A>G on the coding strand, the complement: SKIC3 is on the minus strand). VCF-style: chr5-95478396-T-C. GRCh37 (hg19) VCF-style: chr5-94814100-T-C.
Other names: short protein forms E1420G.
Identifiers: ClinVar variation 2046533 (VCV002046533.1), dbSNP rs889644358, ClinGen allele CA122820570.

ClinVar aggregate classification (germline): Uncertain significance (1 of 4 stars; one submission).

Submission:

Labcorp Genetics (formerly Invitae), Labcorp
Classification: Uncertain significance. Last evaluated: 2021-12-18. Review status: criteria provided, single submitter. Criteria: Invitae Variant Classification Sherloc (09022015). Collection method: clinical testing. Allele origin: germline.
Comment: This sequence change replaces glutamic acid, which is acidic and polar, with glycine, which is neutral and non-polar, at codon 1420 of the TTC37 protein (p.Glu1420Gly). This variant is not present in population databases (gnomAD no frequency). This variant has not been reported in the literature in individuals affected with TTC37-related conditions. Algorithms developed to predict the effect of missense changes on protein structure and function are either unavailable or do not agree on the potential impact of this missense change (SIFT: "Tolerated"; PolyPhen-2: "Probably Damaging"; Align-GVGD: "Class C0"). In summary, the available evidence is currently insufficient to determine the role of this variant in disease. Therefore, it has been classified as a Variant of Uncertain Significance.